The following is an entry in ClinVar:

NM_000322.5(PRPH2):c.938C>T (p.Pro313Leu)

Gene: PRPH2 (peripherin 2; minus strand). Cytogenetic location: 6p21.1.
Variant type: single nucleotide variant.
Coding change: c.938C>T on transcript NM_000322.5 (MANE Select); coding-DNA position 938, C replaced by T.
Protein change: p.Pro313Leu; replaces proline 313 with leucine.
Molecular consequence: missense variant.
Genome position (GRCh38, 1-based): chr6:42,698,398, G>A on the plus strand (C>T on the coding strand, the complement: PRPH2 is on the minus strand). VCF-style: chr6-42698398-G-A. GRCh37 (hg19) VCF-style: chr6-42666136-G-A.
Other names: short protein forms P313L.
Identifiers: ClinVar variation 98721 (VCV000098721.59), dbSNP rs61748434, ClinGen allele CA226331.

ClinVar aggregate classification (germline): Conflicting classifications of pathogenicity. Review status: criteria provided, conflicting classifications (1 of 4 stars). 17 submissions from 11 submitters: Uncertain significance (7); Benign (2); Likely benign (5). 3 of the submissions do not count toward it. Last evaluated 2026-04-02.

Conditions:
Patterned dystrophy of the retinal pigment epithelium (MDPT1). Identifiers: Orphanet 63454, MedGen C1868569, MONDO:0018973.
PRPH2-related disorder. Also called: PRPH2-related condition; PRPH2-related disorders. Identifiers: MedGen CN239395.
Retinal dystrophy. Also called: Inherited retinal dystrophy. Identifiers: Orphanet 71862, MedGen C0854723, MeSH D058499, MONDO:0019118, HP:0000556.
Retinitis pigmentosa (RP). Identifiers: Orphanet 791, MedGen C0035334, MeSH D012174, MONDO:0019200, OMIM 268000. Inheritance: Autosomal dominant, autosomal recessive and X linked inheritance.
Pigmentary retinal dystrophy. Also called: Fundus albipunctatus. Identifiers: Orphanet 227796, Orphanet 52427, MedGen C0311338, MONDO:0007639, OMIM 136880, HP:0030642.
Choroidal dystrophy, central areolar 2 (CACD2). Also called: Choriodal Dystrophy, Central Areolar 2; MACULAR DYSTROPHY, PROGRESSIVE. Identifiers: Orphanet 75377, MedGen C2751290, MONDO:0013137, OMIM 613105.
Patterned macular dystrophy 1. Also called: MACULAR DYSTROPHY, BUTTERFLY-SHAPED PIGMENTARY; BUTTERFLY DYSTROPHY OF RETINAL PIGMENT EPITHELIUM. Identifiers: Orphanet 99001, MedGen C4551999, MONDO:0008210, OMIM 169150.
Cone-rod dystrophy. Also called: Cone/cone-rod dystrophy; Cone-rod degeneration. Identifiers: Orphanet 1872, MedGen C4085590, MONDO:0015993, HP:0000548.
Stargardt disease (FFM). Also called: Fundus flavimaculatus; Stargardt's disease. Identifiers: Orphanet 827, MedGen C0271093, MONDO:0019353.
Adult-onset foveomacular vitelliform dystrophy. Also called: FOVEOMACULAR DYSTROPHY, ADULT-ONSET; Adult onset vitelliform dystrophy; FOVEOMACULAR DYSTROPHY, ADULT-ONSET, WITH OR WITHOUT CHOROIDAL NEOVASCULARIZATION. Identifiers: Orphanet 99000, MedGen C1842914, MONDO:0011979.

Allele frequency attached by ClinVar (database versions not stated): 1000 Genomes Project 30x 0.00016; 1000 Genomes Project 0.00020; ExAC 0.00037; gnomAD exomes 0.00039 and 0.00074; TOPMed 0.00040; gnomAD 0.00044 and 0.00046; ESP Exome Variant Server 0.00046.

Submissions (17):

PreventionGenetics, part of Exact Sciences
Classification: Uncertain significance for PRPH2-related condition. Last evaluated: 2026-04-02. Review status: criteria provided, single submitter. Criteria: ACMG Guidelines, 2015. Collection method: clinical testing. Allele origin: germline.
Comment: The PRPH2 c.938C>T variant is predicted to result in the amino acid substitution p.Pro313Leu. This variant has been reported in individuals with retinal disease, Stargardt disease, pattern dystrophy, retinitis pigmentosa, age-related macular degeneration, or adult-onset vitelliform macular dystrophies (Table S2, Peeters et al. 2021. PubMed ID: 34411390; Table S1, Reeves. 2020 et al. PubMed ID: 32531846; Çavdarli et al. 2020. PubMed ID: 32942919; Dryja et al. 1997. PubMed ID: 9331261; Supplemental Dataset 1, de Breuk et al. 2020. PubMed ID: 32717343; Table S4, Jespersgaard et al. 2019. PubMed ID: 30718709). This variant is reported in 0.063% of alleles in individuals of European (Non-Finnish) descent in gnomAD, which is not consistent with this variant being a primary cause of disease. Although we suspect that this variant may be benign, at this time, the clinical significance of this variant is uncertain due to the absence of conclusive functional and genetic evidence.

Labcorp Genetics (formerly Invitae), Labcorp
Classification: Likely benign for PRPH2-related disorder. Last evaluated: 2026-01-17. Review status: criteria provided, single submitter. Criteria: Invitae Variant Classification Sherloc (09022015). Collection method: clinical testing. Allele origin: germline.

CeGaT Center for Human Genetics Tuebingen
Classification: Likely benign. Last evaluated: 2025-06-01. Review status: criteria provided, single submitter. Criteria: CeGaT Center For Human Genetics Tuebingen Variant Classification Criteria Version 2. Collection method: clinical testing. Allele origin: germline. Affected: yes. Observed: 3 variant alleles.
Comment: PRPH2: BP4, BP5

Blueprint Genetics
Classification: Likely benign. Last evaluated: 2024-10-25. Review status: criteria provided, single submitter. Criteria: ACMG Guidelines, 2015. Collection method: clinical testing. Allele origin: germline.

Institute of Human Genetics, Univ. Regensburg, Univ. Regensburg
Classification: Likely benign for Retinal dystrophy. Last evaluated: 2022-01-01. Review status: criteria provided, single submitter. Criteria: ACMG Guidelines, 2015. Collection method: clinical testing. Allele origin: germline. Affected: yes.

NEI Ophthalmic Genomics Laboratory, National Institutes of Health
Classification: Uncertain significance for Stargardt disease. Last evaluated: 2020-01-07. Review status: criteria provided, single submitter. Criteria: ACMG Guidelines, 2015. Collection method: clinical testing. Allele origin: germline. Affected: yes.
Comment: The variant NM_000322.4:c.938C>T in the PRPH2 gene has not been reported to our knowledge . We found this variant in 3 patient(s) in a PRPH2 cohort study (Reeves et al. 2020). This variant is listed in dbSNP and/or HGMD (rs61748434). It is present in gnomAD browser (AF 0.0003696). It is enriched in the PRPH2 disease cohort. We invoked ACMG criteria [PS4, PM2, BP4] and classified NM_000322.4:c.938C>T in the PRPH2 gene as a Variant of Uncertain Significance.

NEI Ophthalmic Genomics Laboratory, National Institutes of Health
Classification: Uncertain significance for Patterned dystrophy of the retinal pigment epithelium. Last evaluated: 2020-01-07. Review status: criteria provided, single submitter. Criteria: ACMG Guidelines, 2015. Collection method: clinical testing. Allele origin: germline. Affected: yes.
Comment: the same text as in the submission from NEI Ophthalmic Genomics Laboratory, National Institutes of Health above.

Illumina Laboratory Services, Illumina
Classification: Likely benign for Cone-rod dystrophy. Last evaluated: 2018-01-12. Review status: criteria provided, single submitter. Criteria: ICSL Variant Classification Criteria 13 December 2019. Collection method: clinical testing. Allele origin: germline.
Comment: This variant was observed in the ICSL laboratory as part of a predisposition screen in an ostensibly healthy population. It had not been previously curated by ICSL or reported in the Human Gene Mutation Database (HGMD: prior to June 1st, 2018), and was therefore a candidate for classification through an automated scoring system. Utilizing variant allele frequency, disease prevalence and penetrance estimates, and inheritance mode, an automated score was calculated to assess if this variant is too frequent to cause the disease. Based on the score and internal cut-off values, a variant classified as likely benign is not then subjected to further curation. The score for this variant resulted in a classification of likely benign for this disease.

Illumina Laboratory Services, Illumina
Classification: Benign for Choroidal dystrophy, central areolar 2. Last evaluated: 2018-01-12. Review status: criteria provided, single submitter. Criteria: ICSL Variant Classification Criteria 13 December 2019. Collection method: clinical testing. Allele origin: germline.
Comment: This variant was observed in the ICSL laboratory as part of a predisposition screen in an ostensibly healthy population. It had not been previously curated by ICSL or reported in the Human Gene Mutation Database (HGMD: prior to June 1st, 2018), and was therefore a candidate for classification through an automated scoring system. Utilizing variant allele frequency, disease prevalence and penetrance estimates, and inheritance mode, an automated score was calculated to assess if this variant is too frequent to cause the disease. Based on the score and internal cut-off values, a variant classified as benign is not then subjected to further curation. The score for this variant resulted in a classification of benign for this disease.

Illumina Laboratory Services, Illumina
Classification: Uncertain significance for Pigmentary retinal dystrophy. Last evaluated: 2018-01-12. Review status: criteria provided, single submitter. Criteria: ICSL Variant Classification Criteria 13 December 2019. Collection method: clinical testing. Allele origin: germline.

Illumina Laboratory Services, Illumina
Classification: Benign for Vitelliform macular dystrophy 3. Last evaluated: 2018-01-12. Review status: criteria provided, single submitter. Criteria: ICSL Variant Classification Criteria 13 December 2019. Collection method: clinical testing. Allele origin: germline.
Comment: the same text as in the submission from Illumina Laboratory Services, Illumina above.

Illumina Laboratory Services, Illumina
Classification: Uncertain significance for Patterned macular dystrophy 1. Last evaluated: 2018-01-12. Review status: criteria provided, single submitter. Criteria: ICSL Variant Classification Criteria 13 December 2019. Collection method: clinical testing. Allele origin: germline.

Illumina Laboratory Services, Illumina
Classification: Uncertain significance for Retinitis pigmentosa. Last evaluated: 2018-01-12. Review status: criteria provided, single submitter. Criteria: ICSL Variant Classification Criteria 13 December 2019. Collection method: clinical testing. Allele origin: germline.

Eurofins Ntd Llc (ga)
Classification: Uncertain significance. Last evaluated: 2017-03-24. Review status: criteria provided, single submitter. Criteria: EGL Classification Definitions 2015. Collection method: clinical testing. Allele origin: germline. Observed: 1 variant allele, 1 heterozygote.

Leiden Open Variation Database
Classification: Uncertain significance. Last evaluated: 2021-04-06. Review status: no assertion criteria provided. Collection method: curation. Allele origin: germline. Affected: yes. Not counted in ClinVar's aggregate classification.
Comment: Curator: Global Variome, with Curator vacancy. Submitter to LOVD: Manon Peeters. Comment: Variant observed de novo.

Department of Clinical Genetics, Copenhagen University Hospital, Rigshospitalet
Classification: Uncertain significance for Retinitis pigmentosa. Last evaluated: 2018-04-01. Review status: no assertion criteria provided. Collection method: research. Allele origin: unknown. Affected: yes. Study: VeluxRD. Not counted in ClinVar's aggregate classification.

Retina International
No classification provided. Review status: no classification provided. Collection method: not provided. Allele origin: unknown. Not counted in ClinVar's aggregate classification.

Literature cited by the submitters: PubMed 32531846 (cited by Institute of Human Genetics, Univ. Regensburg, Univ. Regensburg and Leiden Open Variation Database); PubMed 32942919 (cited by Institute of Human Genetics, Univ. Regensburg, Univ. Regensburg); PubMed 34411390 (cited by Institute of Human Genetics, Univ. Regensburg, Univ. Regensburg); PubMed 9331261 (cited by Leiden Open Variation Database); PubMed 32717343 (cited by Leiden Open Variation Database); PubMed 30718709 (cited by Department of Clinical Genetics, Copenhagen University Hospital, Rigshospitalet).